The following is an entry in ClinVar:

ClinVar aggregate classification (germline): Pathogenic (1 of 4 stars; one submission).

Submission:

Labcorp Genetics (formerly Invitae), Labcorp
Classification: Pathogenic. Last evaluated: 2025-03-13. Review status: criteria provided, single submitter. Criteria: Invitae Variant Classification Sherloc (09022015). Collection method: clinical testing. Allele origin: germline.
Comment: This sequence change creates a premature translational stop signal (p.Gly1245Valfs*3) in the COL18A1 gene. It is expected to result in an absent or disrupted protein product. Loss-of-function variants in COL18A1 are known to be pathogenic (PMID: 12415512, 25456301). This variant is not present in population databases (gnomAD no frequency). This variant has not been reported in the literature in individuals affected with COL18A1-related conditions. For these reasons, this variant has been classified as Pathogenic.

Literature cited by the submitters: PubMed 12415512; PubMed 25456301.

NM_001379500.1(COL18A1):c.3743del (p.Gly1248fs)

Genes: SLC19A1 (solute carrier family 19 member 1; minus strand), COL18A1 (collagen type XVIII alpha 1 chain; plus strand). Cytogenetic location: 21q22.3.
Variant type: Deletion.
Coding change: c.3743del on transcript NM_001379500.1 (MANE Select); coding-DNA position 3743, one base deleted (G; older notation c.3743delG).
Protein change: p.Gly1248fs; shifts the reading frame from glycine 1248.
Molecular consequence: frameshift variant.
Genome position (GRCh38, 1-based): chr21:45,511,160, G deleted; the last of 3 consecutive G bases (chr21:45,511,158-45,511,160); deleting any one gives the same sequence. VCF-style (leftmost placement, unchanged base first): chr21-45511157-AG-A. GRCh37 (hg19) VCF-style: chr21-46931071-AG-A.
Other names: c.4274del, p.Gly1425fs (NM_030582.4); c.4979del, p.Gly1660fs (NM_130444.3); short protein forms G1248fs, G1660fs, G1425fs.
Identifiers: ClinVar variation 4715071 (VCV004715071.1).